The following is an entry in ClinVar:

ClinVar aggregate classification (germline): Uncertain significance (1 of 4 stars; one submission).

Submission:

Ambry Genetics
Classification: Uncertain significance. Last evaluated: 2024-08-07. Review status: criteria provided, single submitter. Criteria: Ambry Variant Classification Scheme 2023. Collection method: clinical testing. Allele origin: germline.
Comment: The p.I395S variant (also known as c.1184T>G), located in coding exon 12 of the RASA2 gene, results from a T to G substitution at nucleotide position 1184. The isoleucine at codon 395 is replaced by serine, an amino acid with dissimilar properties. This amino acid position is conserved. In addition, this alteration is predicted to be deleterious by in silico analysis. Based on the available evidence, the clinical significance of this variant remains unclear.

NM_006506.5(RASA2):c.1184T>G (p.Ile395Ser)

Gene: RASA2 (RAS p21 protein activator 2; plus strand). Cytogenetic location: 3q23.
Variant type: single nucleotide variant.
Coding change: c.1184T>G on transcript NM_006506.5 (MANE Select); coding-DNA position 1184, T replaced by G.
Protein change: p.Ile395Ser; replaces isoleucine 395 with serine.
Molecular consequence: missense variant.
Genome position (GRCh38, 1-based): chr3:141,572,623, T>G. VCF-style: chr3-141572623-T-G. GRCh37 (hg19) VCF-style: chr3-141291465-T-G.
Other names: c.1184T>G, p.Ile395Ser (NM_001303245.3, NM_001303246.3); short protein forms I395S.
Identifiers: ClinVar variation 3430475 (VCV003430475.1).